The following is an entry in ClinVar:

NM_152296.5(ATP1A3):c.190C>T (p.Arg64Trp)

Gene: ATP1A3 (ATPase Na+/K+ transporting subunit alpha 3; minus strand). Cytogenetic location: 19q13.2.
Variant type: single nucleotide variant.
Coding change: c.190C>T on transcript NM_152296.5 (MANE Select); coding-DNA position 190, C replaced by T.
Protein change: p.Arg64Trp; replaces arginine 64 with tryptophan.
Molecular consequence: missense variant.
Genome position (GRCh38, 1-based): chr19:41,988,103, G>A on the plus strand (C>T on the coding strand, the complement: ATP1A3 is on the minus strand). VCF-style: chr19-41988103-G-A. GRCh37 (hg19) VCF-style: chr19-42492255-G-A.
Other names: c.223C>T, p.Arg75Trp (NM_001256213.2); c.229C>T, p.Arg77Trp (NM_001256214.2); short protein forms R75W, R77W, R64W.
Identifiers: ClinVar variation 1372064 (VCV001372064.6), dbSNP rs1203339638, ClinGen allele CA406056817.

ClinVar aggregate classification (germline): Uncertain significance (1 of 4 stars; one submission).

Conditions:
Dystonia 12 (DYT12). Also called: Rapid-Onset Dystonia-Parkinsonism (RDP); DYT-ATP1A3. Identifiers: Orphanet 71517, MedGen C1868681, MONDO:0007496, OMIM 128235.

Allele frequency attached by ClinVar (database versions not stated): gnomAD exomes below 0.00001; TOPMed below 0.00001; gnomAD 0.00001.
gnomAD v4.1: 6 of 1,613,982 alleles (0.00037%); highest among the groups gnomAD compares: African/African-American, 0.0013%; no homozygotes.

Submission:

Labcorp Genetics (formerly Invitae), Labcorp
Classification: Uncertain significance for Dystonia 12. Last evaluated: 2024-08-13. Review status: criteria provided, single submitter. Criteria: Invitae Variant Classification Sherloc (09022015). Collection method: clinical testing. Allele origin: germline.
Comment: This sequence change replaces arginine, which is basic and polar, with tryptophan, which is neutral and slightly polar, at codon 64 of the ATP1A3 protein (p.Arg64Trp). This variant is present in population databases (no rsID available, gnomAD 0.003%). This variant has not been reported in the literature in individuals affected with ATP1A3-related conditions. ClinVar contains an entry for this variant (Variation ID: 1372064). Advanced modeling of protein sequence and biophysical properties (such as structural, functional, and spatial information, amino acid conservation, physicochemical variation, residue mobility, and thermodynamic stability) performed at Invitae indicates that this missense variant is expected to disrupt ATP1A3 protein function with a positive predictive value of 95%. In summary, the available evidence is currently insufficient to determine the role of this variant in disease. Therefore, it has been classified as a Variant of Uncertain Significance.